The following is an entry in ClinVar:

ClinVar aggregate classification (germline): Conflicting classifications of pathogenicity. Review status: criteria provided, conflicting classifications (1 of 4 stars). 11 submissions from 10 submitters: Uncertain significance (10); Likely benign (1). Last evaluated 2026-02-23.

Conditions:
Hereditary cancer-predisposing syndrome. Also called: Tumor predisposition; Neoplastic Syndromes, Hereditary; Hereditary neoplastic syndrome; Hereditary Cancer Syndrome. Identifiers: Orphanet 140162, MedGen C0027672, MeSH D009386, MONDO:0015356.
Cardiovascular phenotype. Identifiers: MedGen CN230736.
Juvenile myelomonocytic leukemia (JMML). Also called: LEUKEMIA, JUVENILE MYELOMONOCYTIC, SOMATIC. Identifiers: Orphanet 86834, MedGen C0349639, MONDO:0011908, OMIM 607785, HP:0012209.
Neurofibromatosis, type 1 (NF1). Also called: NEUROFIBROMATOSIS, TYPE I, SOMATIC; Peripheral type neurofibromatosis; VON RECKLINGHAUSEN DISEASE; Neurofibromatosis, type I. Identifiers: Orphanet 636, MedGen C0027831, MONDO:0018975, OMIM 162200. Disease mechanism: loss of function.

Allele frequency attached by ClinVar (database versions not stated): gnomAD exomes below 0.00001 and 0.00001; TOPMed 0.00002.
gnomAD v4.1: 8 of 1,613,796 alleles (0.0005%); highest among the groups gnomAD compares: African/African-American, 0.0093%; no homozygotes.

Submissions (11):

Clinical Genomics Laboratory, Washington University in St. Louis
Classification: Uncertain significance for Neurofibromatosis, type 1. Last evaluated: 2026-02-23. Review status: criteria provided, single submitter. Criteria: ACMG Guidelines, 2015. Collection method: clinical testing. Allele origin: germline.
Comment: An NF1 c.1370A>T (p.His457Leu) variant was identified at a near heterozygous allelic fraction of 47.1%, a frequency that may be consistent with germline origin. This variant, to our knowledge, has not been reported in the medical literature, but it has been reported in the ClinVar database as a germline variant of uncertain significance by several submitters and likely benign by one submitter (ClinVar Variation ID: 186192). It is only observed on 8/1,613,796 alleles in the general population (gnomAD v4.1.0), indicating it is not a common variant. Computational predictors are uncertain as to the impact of this variant on NF1 function. The NF1 gene is a gene that has a low rate of benign missense variation and where pathogenic missense variants are a common mechanism of disease. Due to conflicting information, and based on ACMG/AMP guidelines for variant interpretation (Richards S et al., PMID: 25741868), the clinical significance of this variant is uncertain at this time.

Labcorp Genetics (formerly Invitae), Labcorp
Classification: Likely benign for Neurofibromatosis, type 1. Last evaluated: 2026-01-28. Review status: criteria provided, single submitter. Criteria: Invitae Variant Classification Sherloc (09022015). Collection method: clinical testing. Allele origin: germline.

Dasa
Classification: Uncertain significance. Last evaluated: 2025-04-04. Review status: criteria provided, single submitter. Criteria: DASA Assertion Criteria. Collection method: clinical testing. Allele origin: germline.
Comment: NM_001042492.3(NF1):c.1370A>T (p.His457Leu) is a missense variant that results in the substitution of histidine with leucine. This variant is rare in population databases. The currently available literature and clinical evidence are not sufficient to establish a definitive association between this variant and the reported condition. Therefore, this variant is classified as a variant of uncertain significance.

Quest Diagnostics Nichols Institute San Juan Capistrano
Classification: Uncertain significance. Last evaluated: 2024-05-17. Review status: criteria provided, single submitter. Criteria: Quest Diagnostics criteria. Collection method: clinical testing. Allele origin: unknown.

GeneDx
Classification: Uncertain significance. Last evaluated: 2024-05-14. Review status: criteria provided, single submitter. Criteria: GeneDx Variant Classification Process June 2021. Collection method: clinical testing. Allele origin: germline. Affected: yes.
Comment: In silico analysis supports that this missense variant has a deleterious effect on protein structure/function; Observed in a patient with breast cancer (PMID: 35264596); This variant is associated with the following publications: (PMID: 30274822, 35264596)

Baylor Genetics
Classification: Uncertain significance for Juvenile myelomonocytic leukemia. Last evaluated: 2023-06-01. Review status: criteria provided, single submitter. Criteria: ACMG Guidelines, 2015. Collection method: clinical testing. Allele origin: unknown.

Genome-Nilou Lab
Classification: Uncertain significance for Neurofibromatosis, type 1. Last evaluated: 2022-03-15. Review status: criteria provided, single submitter. Criteria: ACMG Guidelines, 2015. Collection method: clinical testing. Allele origin: germline. Affected: no.

Ambry Genetics
Classification: Uncertain significance for Cardiovascular phenotype; Hereditary cancer-predisposing syndrome. Last evaluated: 2022-01-18. Review status: criteria provided, single submitter. Criteria: Ambry Variant Classification Scheme 2023. Collection method: clinical testing. Allele origin: germline.

Sema4
Classification: Uncertain significance for Hereditary cancer-predisposing syndrome. Last evaluated: 2021-07-07. Review status: criteria provided, single submitter. Criteria: Sema4 Curation Guidelines. Collection method: curation. Allele origin: germline.
Comment: The NF1 c.1370A>T (p.H457L) variant has not been reported in the literature to our knowledge. It was observed in 1/16256 chromosomes of the African/African American subpopulation in the large and broad cohorts of the Genome Aggregation Database. The variant has been reported in ClinVar (Variation ID: 186192). In silico tools suggest the impact of the variant on protein function is inconclusive, though these predictions have not been confirmed by functional studies. The evidence is insufficient to meet ACMG/AMP criteria for classifying the variant as benign or pathogenic. Thus, the clinical significance of this variant is currently uncertain.

Mendelics
Classification: Uncertain significance for Neurofibromatosis, type 1. Last evaluated: 2018-07-02. Review status: criteria provided, single submitter. Criteria: Mendelics Assertion Criteria 2017. Collection method: clinical testing. Allele origin: unknown.

Ambry Genetics
Classification: Uncertain significance for Hereditary cancer-predisposing syndrome. Last evaluated: 2015-09-13. Review status: criteria provided, single submitter. Criteria: Ambry Autosomal Dominant and X-Linked criteria (10/2015). Collection method: clinical testing. Allele origin: germline. Observed: 1 variant allele.
Comment: The p.H457L variant (also known as c.1370A>T), located in coding exon 12 of the NF1 gene, results from an A to T substitution at nucleotide position 1370. The histidine at codon 457 is replaced by leucine, an amino acid with similar properties. This variant was not reported in population based cohorts in the following databases: Database of Single Nucleotide Polymorphisms (dbSNP), NHLBI Exome Sequencing Project (ESP), and 1000 Genomes Project. In the ESP, this variant was not observed in 6503 samples (13006 alleles) with coverage at this position.<span style="background-color:initial">To date, this alteration has been detected with an allele frequency of approximately 0.003% (greater than 110000 alleles tested) in our clinical cohort.<span style="background-color:initial"><span style="background-color:initial">This amino acid position is highly conserved in available vertebrate species. In addition, this alteration is predicted to be benign by PolyPhen<span style="background-color:initial">but deleterious by<span style="background-color:initial">SIFT in silico<span style="background-color:initial"> analyses, respectively.<span style="background-color:initial">Since supporting evidence is limited at this time, the clinical significance of<span style="background-color:initial">p.H457L<span style="background-color:initial">remains unclear.

Literature cited by the submitters: PubMed 35264596 (cited by Quest Diagnostics Nichols Institute San Juan Capistrano).

NM_001042492.3(NF1):c.1370A>T (p.His457Leu)

Gene: NF1 (neurofibromin 1; plus strand). Cytogenetic location: 17q11.2.
Variant type: single nucleotide variant.
Coding change: c.1370A>T on transcript NM_001042492.3 (MANE Select); coding-DNA position 1370, A replaced by T.
Protein change: p.His457Leu; replaces histidine 457 with leucine.
Molecular consequence: missense variant.
Genome position (GRCh38, 1-based): chr17:31,206,349, A>T. VCF-style: chr17-31206349-A-T. GRCh37 (hg19) VCF-style: chr17-29533367-A-T.
Other names: c.1370A>T, p.His457Leu (NM_000267.4, NM_001128147.3); short protein forms H457L.
Identifiers: ClinVar variation 186192 (VCV000186192.22), dbSNP rs786202763, ClinGen allele CA194111.